The following is an entry in ClinVar:

ClinVar aggregate classification (germline): Uncertain significance (1 of 4 stars; one submission).

Conditions:
Hereditary spastic paraplegia 30. Identifiers: Orphanet 101010, MedGen C5235139, MONDO:0012476.
Neuropathy, hereditary sensory, type 2C. Also called: Hereditary sensory and autonomic neuropathy type IIC; KIF1A-Related HSAN2 (HSAN2C). Identifiers: Orphanet 970, MedGen C3280168, MONDO:0013634, OMIM 614213.
Intellectual disability, autosomal dominant 9 (NESCAVS). Also called: NESCAV SYNDROME; KIF1A-Related Neurodevelopmental Disorder. Identifiers: Orphanet 662367, MedGen C5393830, MONDO:0013656, OMIM 614255.

Submission:

Labcorp Genetics (formerly Invitae), Labcorp
Classification: Uncertain significance for Hereditary spastic paraplegia 30; Neuropathy, hereditary sensory, type 2C; Intellectual disability, autosomal dominant 9. Last evaluated: 2019-12-23. Review status: criteria provided, single submitter. Criteria: Invitae Variant Classification Sherloc (09022015). Collection method: clinical testing. Allele origin: germline.
Comment: This sequence change replaces methionine with leucine at codon 1274 of the KIF1A protein (p.Met1274Leu). The methionine residue is highly conserved and there is a small physicochemical difference between methionine and leucine. This variant is not present in population databases (ExAC no frequency). This variant has not been reported in the literature in individuals with KIF1A-related conditions. Algorithms developed to predict the effect of missense changes on protein structure and function (SIFT, PolyPhen-2, Align-GVGD) all suggest that this variant is likely to be tolerated, but these predictions have not been confirmed by published functional studies and their clinical significance is uncertain. Algorithms developed to predict the effect of sequence changes on RNA splicing suggest that this variant may disrupt the consensus splice site, but this prediction has not been confirmed by published transcriptional studies. In summary, the available evidence is currently insufficient to determine the role of this variant in disease. Therefore, it has been classified as a Variant of Uncertain Significance.

NM_001244008.2(KIF1A):c.4123A>T (p.Met1375Leu)

Gene: KIF1A (kinesin family member 1A; minus strand). Cytogenetic location: 2q37.3.
Variant type: single nucleotide variant.
Coding change: c.4123A>T on transcript NM_001244008.2 (MANE Select); coding-DNA position 4123, A replaced by T.
Protein change: p.Met1375Leu; replaces methionine 1375 with leucine.
Molecular consequence: missense variant.
Genome position (GRCh38, 1-based): chr2:240,725,404, T>A on the plus strand (A>T on the coding strand, the complement: KIF1A is on the minus strand). VCF-style: chr2-240725404-T-A. GRCh37 (hg19) VCF-style: chr2-241664821-T-A.
Other names: c.3847A>T, p.Met1283Leu (NM_001320705.2, NM_001379649.1); c.3874A>T, p.Met1292Leu (NM_001330289.2); c.3922A>T, p.Met1308Leu (NM_001330290.2, NM_001379648.1); c.4198A>T, p.Met1400Leu (NM_001379631.1); c.4099A>T, p.Met1367Leu (NM_001379632.1); c.4096A>T, p.Met1366Leu (NM_001379633.1, NM_001379645.1); c.3949A>T, p.Met1317Leu (NM_001379634.1); c.3946A>T, p.Met1316Leu (NM_001379635.1, NM_001379646.1); and 7 more; short protein forms M1274L, M1283L, M1292L, M1308L, M1375L, M1273L, M1282L, M1312L.
Identifiers: ClinVar variation 857951 (VCV000857951.12), dbSNP rs2045896288, ClinGen allele CA351308431.
Genomic context (GRCh38, chr2:240,725,404, plus strand): 5'-GGGAATAGAAGACCATGCAGAAGTCCTTGGTGACAACAGCCGGCTGGGTGCAGTTCTCCA[T>A]CTGAGATAGGCGGGAGCAGGACTCAGGCACAAGGACACCCCGAGTGCCCAGGTGCCCTTC-3'
Protein context (NP_001230937.1, residues 1365-1385): IYMTLSAYIE[Met1375Leu]ENCTQPAVVT